The following is an entry in ClinVar:

NM_022835.3(PLEKHG2):c.1680G>A (p.Pro560=)

Gene: PLEKHG2 (pleckstrin homology and RhoGEF domain containing G2; plus strand). Cytogenetic location: 19q13.2.
Variant type: single nucleotide variant.
Coding change: c.1680G>A on transcript NM_022835.3 (MANE Select); coding-DNA position 1680, G replaced by A.
Protein change: p.Pro560=; no amino-acid change (proline 560 retained).
Molecular consequence: synonymous variant. On other transcripts: intron variant (1).
Genome position (GRCh38, 1-based): chr19:39,422,734, G>A. VCF-style: chr19-39422734-G-A. GRCh37 (hg19) VCF-style: chr19-39913374-G-A.
Other names: c.1503G>A, p.Pro501= (NM_001351693.2); c.1677+446G>A (NM_001351694.2).
Identifiers: ClinVar variation 3770613 (VCV003770613.13).
Genomic context (GRCh38, chr19:39,422,734, plus strand): 5'-CCACCACACCCAGCTACCATGCTGATATGTTTGGCTTGTTCTCCTGTGCCCACTATAGCC[G>A]TCCACCCATGACATTCCCAAGTTCCCCGGAGACTCCCAGGTGCCTGGCGACAGCGAAACC-3'
Protein context (NP_073746.2, residues 550-570): LNQRGLRDPG[Pro560=]STHDIPKFPG

ClinVar aggregate classification (germline): Likely benign (1 of 4 stars; one submission).

gnomAD v4.1: 19 of 1,518,730 alleles (0.0013%); highest among the groups gnomAD compares: African/African-American, 0.0042%; no homozygotes.

Submission:

CeGaT Center for Human Genetics Tuebingen
Classification: Likely benign. Last evaluated: 2025-01-01. Review status: criteria provided, single submitter. Criteria: CeGaT Center For Human Genetics Tuebingen Variant Classification Criteria Version 2. Collection method: clinical testing. Allele origin: germline. Affected: yes. Observed: 1 variant allele.
Comment: PLEKHG2: BP4, BP7